The following is an entry in ClinVar:

NM_020702.5(MYORG):c.1979T>A (p.Leu660Gln)

Gene: MYORG (myogenesis regulating glycosidase; minus strand). Cytogenetic location: 9p13.3.
Variant type: single nucleotide variant.
Coding change: c.1979T>A on transcript NM_020702.5 (MANE Select); coding-DNA position 1979, T replaced by A.
Protein change: p.Leu660Gln; replaces leucine 660 with glutamine.
Molecular consequence: missense variant.
Genome position (GRCh38, 1-based): chr9:34,370,965, A>T on the plus strand (T>A on the coding strand, the complement: MYORG is on the minus strand). VCF-style: chr9-34370965-A-T. GRCh37 (hg19) VCF-style: chr9-34370963-A-T.
Other names: short protein forms L660Q.
Identifiers: ClinVar variation 692180 (VCV000692180.1), dbSNP rs1588002920, ClinGen allele CA373239544.

ClinVar aggregate classification (germline): Uncertain significance (1 of 4 stars; one submission).

Conditions:
Basal ganglia calcification, idiopathic, 7, autosomal recessive. Also called: PRIMARY FAMILIAL BRAIN CALCIFICATION 7, AUTOSOMAL RECESSIVE. Identifiers: MedGen C5193025, MONDO:0032673, OMIM 618317.

Submission:

SIB Swiss Institute of Bioinformatics
Classification: Uncertain significance for Basal ganglia calcification, idiopathic, 7, autosomal recessive. Last evaluated: 2019-06-13. Review status: criteria provided, single submitter. Criteria: ACMG Guidelines, 2015. Collection method: curation. Allele origin: unknown.
Comment: This variant is interpreted as a variant of Uncertain significance for Basal ganglia calcification, idiopathic, 7, autosomal recessive. The following ACMG Tag(s) were applied: PM2, PP3, PM3-Supporting.

Literature cited by the submitters: PubMed 31009047.